The following is an entry in ClinVar:

NM_002692.4(POLE2):c.756-9_756-6del

Gene: POLE2 (DNA polymerase epsilon 2, accessory subunit; minus strand). Cytogenetic location: 14q21.3.
Variant type: Deletion.
Coding change: c.756-9_756-6del on transcript NM_002692.4 (MANE Select); 9 bases into the intron before coding-DNA position 756 through 6 bases into the intron before coding-DNA position 756, 4 bases deleted (ATTA; older notation c.756-9_756-6delATTA).
Molecular consequence: intron variant.
Genome position (GRCh38, 1-based): chr14:49,655,849-49,655,852, TAAT deleted on the plus strand (ATTA on the coding strand, the reverse complement: POLE2 is on the minus strand); deleting any 4 consecutive bases within chr14:49,655,849-49,655,854 gives the same sequence; the c. name uses the placement nearest the transcript's 3' end. VCF-style (leftmost placement, unchanged base first): chr14-49655848-ATAAT-A. GRCh37 (hg19) VCF-style: chr14-50122566-ATAAT-A.
Other names: c.678-9_678-6del (NM_001197330.2); c.756-9_756-6del (NM_001348384.2, NM_001197331.3); c.525-9_525-6del (NM_001348385.2).
Identifiers: ClinVar variation 4809792 (VCV004809792.1).

ClinVar aggregate classification (germline): Uncertain significance (1 of 4 stars; one submission).

Submission:

Labcorp Genetics (formerly Invitae), Labcorp
Classification: Uncertain significance. Last evaluated: 2025-06-03. Review status: criteria provided, single submitter. Criteria: Invitae Variant Classification Sherloc (09022015). Collection method: clinical testing. Allele origin: germline.
Comment: This sequence change falls in intron 10 of the POLE2 gene. It does not directly change the encoded amino acid sequence of the POLE2 protein. The frequency data for this variant in the population databases is considered unreliable, as metrics indicate poor data quality at this position in the gnomAD database. This variant has not been reported in the literature in individuals affected with POLE2-related conditions. Algorithms developed to predict the effect of sequence changes on RNA splicing suggest that this variant may disrupt the consensus splice site. In summary, the available evidence is currently insufficient to determine the role of this variant in disease. Therefore, it has been classified as a Variant of Uncertain Significance.